The following is an entry in ClinVar:

NM_000243.3(MEFV):c.2266_2267insGAAT (p.Phe756Ter)

Gene: MEFV (MEFV innate immunity regulator, pyrin; minus strand). Cytogenetic location: 16p13.3.
Variant type: Insertion.
Coding change: c.2266_2267insGAAT on transcript NM_000243.3 (MANE Select); coding-DNA positions 2266 to 2267, GAAT inserted.
Protein change: p.Phe756Ter; replaces phenylalanine 756 with a stop codon.
Molecular consequence: nonsense. On other transcripts: 3 prime UTR variant (1).
Genome position: GRCh38 VCF-style: chr16-3243220-A-AATTC. GRCh37 (hg19) VCF-style: chr16-3293220-A-AATTC.
Other names: c.*470_*471insGAAT (NM_001198536.2); short protein forms F756*.
Identifiers: ClinVar variation 1980766 (VCV001980766.4), dbSNP rs1958883106, ClinGen allele CA2202658543.
Genomic context (GRCh38, chr16:3,243,220, plus strand): 5'-CCCACTGGACAGATAGTCAGAGGAGCTGTGTTCTTCCCTCCATCACGTGTCCCAGGGCTG[A>AATTC]AGATAGGTTGAAGGGGCCCAGAGAAAGAGCAGCTGGCGAATGTATAGATGTGGGATCTGG-3'

ClinVar aggregate classification (germline): Uncertain significance (1 of 4 stars; one submission).

Conditions:
Familial Mediterranean fever (FMF). Also called: POLYSEROSITIS, FAMILIAL PAROXYSMAL; POLYSEROSITIS, RECURRENT; Periodic peritonitis; Benign paroxysmal peritonitis. Identifiers: Orphanet 342, MedGen C0031069, MONDO:0018088, OMIM 249100. Disease mechanism: gain of function.

Submission:

Labcorp Genetics (formerly Invitae), Labcorp
Classification: Uncertain significance for Familial Mediterranean fever. Last evaluated: 2022-04-15. Review status: criteria provided, single submitter. Criteria: Invitae Variant Classification Sherloc (09022015). Collection method: clinical testing. Allele origin: germline.
Comment: In summary, the available evidence is currently insufficient to determine the role of this variant in disease. Therefore, it has been classified as a Variant of Uncertain Significance. Experimental studies and prediction algorithms are not available or were not evaluated, and the functional significance of this variant is currently unknown. This variant has not been reported in the literature in individuals affected with MEFV-related conditions. This variant is not present in population databases (gnomAD no frequency). This sequence change creates a premature translational stop signal (p.Phe756*) in the MEFV gene. While this is not anticipated to result in nonsense mediated decay, it is expected to disrupt the last 26 amino acid(s) of the MEFV protein.